The following is an entry in ClinVar:

ClinVar aggregate classification (germline): Likely benign (1 of 4 stars; one submission).

Allele frequency attached by ClinVar (database versions not stated): 1000 Genomes Project 0.00060; 1000 Genomes Project 30x 0.00062; ESP Exome Variant Server 0.00143; gnomAD 0.00174; gnomAD exomes 0.00197; ExAC 0.00204.

Submission:

CeGaT Center for Human Genetics Tuebingen
Classification: Likely benign. Last evaluated: 2024-01-01. Review status: criteria provided, single submitter. Criteria: CeGaT Center For Human Genetics Tuebingen Variant Classification Criteria Version 2. Collection method: clinical testing. Allele origin: germline. Affected: yes. Observed: 2 variant alleles.
Comment: FAM66D: BS2; USP17L2: BP4, BS2

NM_201402.3(USP17L2):c.887A>T (p.Gln296Leu)

Genes: FAM66D (family with sequence similarity 66 member D), USP17L2 (ubiquitin specific peptidase 17 like family member 2; minus strand). Cytogenetic location: 8p23.1.
Variant type: single nucleotide variant.
Coding change: c.887A>T on transcript NM_201402.3 (MANE Select); coding-DNA position 887, A replaced by T.
Protein change: p.Gln296Leu; replaces glutamine 296 with leucine.
Molecular consequence: missense variant.
Genome position (GRCh38, 1-based): chr8:12,137,874, T>A on the plus strand (A>T on the coding strand, the complement: USP17L2 is on the minus strand). VCF-style: chr8-12137874-T-A. GRCh37 (hg19) VCF-style: chr8-11995383-T-A.
Other names: short protein forms Q296L.
Identifiers: ClinVar variation 2658425 (VCV002658425.24), dbSNP rs201233406, ClinGen allele CA4635018.